The following is an entry in ClinVar:

NM_005097.4(LGI1):c.1303G>A (p.Val435Met)

Gene: LGI1 (leucine rich glioma inactivated 1; plus strand). Cytogenetic location: 10q23.33.
Variant type: single nucleotide variant.
Coding change: c.1303G>A on transcript NM_005097.4 (MANE Select); coding-DNA position 1303, G replaced by A.
Protein change: p.Val435Met; replaces valine 435 with methionine.
Molecular consequence: missense variant. On other transcripts: non-coding transcript variant (1), intron variant (1).
Genome position (GRCh38, 1-based): chr10:93,797,432, G>A. VCF-style: chr10-93797432-G-A. GRCh37 (hg19) VCF-style: chr10-95557189-G-A.
Other names: c.1159G>A, p.Val387Met (NM_001308276.2); c.839-317G>A (NM_001308275.2); short protein forms V387M, V435M.
Identifiers: ClinVar variation 3903364 (VCV003903364.1).

ClinVar aggregate classification (germline): Uncertain significance (1 of 4 stars; one submission).

Submission:

GeneDx
Classification: Uncertain significance. Last evaluated: 2024-12-06. Review status: criteria provided, single submitter. Criteria: GeneDx Variant Classification Process June 2021. Collection method: clinical testing. Allele origin: germline. Affected: yes.
Comment: Not observed at significant frequency in large population cohorts (gnomAD); In silico analysis indicates that this missense variant does not alter protein structure/function; Has not been previously published as pathogenic or benign to our knowledge